The following is an entry in ClinVar:

ClinVar aggregate classification (germline): Uncertain significance (1 of 4 stars; one submission).

Conditions:
RASopathy. Also called: Noonan spectrum disorder; rasopathies. Identifiers: Orphanet 536391, MedGen C5555857, MONDO:0021060.

Submission:

Labcorp Genetics (formerly Invitae), Labcorp
Classification: Uncertain significance for RASopathy. Last evaluated: 2026-01-05. Review status: criteria provided, single submitter. Criteria: Invitae Variant Classification Sherloc (09022015). Collection method: clinical testing. Allele origin: germline.
Comment: This sequence change replaces proline, which is neutral and non-polar, with serine, which is neutral and polar, at codon 1264 of the SOS1 protein (p.Pro1264Ser). This variant is not present in population databases (gnomAD no frequency). This variant has not been reported in the literature in individuals affected with SOS1-related conditions. Invitae Evidence Modeling of protein sequence and biophysical properties (such as structural, functional, and spatial information, amino acid conservation, physicochemical variation, residue mobility, and thermodynamic stability) indicates that this missense variant is not expected to disrupt SOS1 protein function with a negative predictive value of 95%. In summary, the available evidence is currently insufficient to determine the role of this variant in disease. Therefore, it has been classified as a Variant of Uncertain Significance.

NM_005633.4(SOS1):c.3790C>T (p.Pro1264Ser)

Gene: SOS1 (SOS Ras/Rac guanine nucleotide exchange factor 1; minus strand). Cytogenetic location: 2p22.1.
Variant type: single nucleotide variant.
Coding change: c.3790C>T on transcript NM_005633.4 (MANE Select); coding-DNA position 3790, C replaced by T.
Protein change: p.Pro1264Ser; replaces proline 1264 with serine.
Molecular consequence: missense variant.
Genome position (GRCh38, 1-based): chr2:38,986,036, G>A on the plus strand (C>T on the coding strand, the complement: SOS1 is on the minus strand). VCF-style: chr2-38986036-G-A. GRCh37 (hg19) VCF-style: chr2-39213177-G-A.
Other names: c.3769C>T, p.Pro1257Ser (NM_001382394.1); c.3745C>T, p.Pro1249Ser (NM_001382395.1); short protein forms P1249S, P1257S, P1264S.
Identifiers: ClinVar variation 4747090 (VCV004747090.1).